The following is an entry in ClinVar:

NM_018972.4(GDAP1):c.*1173G>T

Gene: GDAP1 (ganglioside induced differentiation associated protein 1; plus strand). Cytogenetic location: 8q21.11.
Variant type: single nucleotide variant.
Coding change: c.*1173G>T on transcript NM_018972.4 (MANE Select); 1173 bases downstream of the stop codon, G replaced by T.
Molecular consequence: 3 prime UTR variant. On other transcripts: intron variant (1).
Genome position (GRCh38, 1-based): chr8:74,365,540, G>T. VCF-style: chr8-74365540-G-T. GRCh37 (hg19) VCF-style: chr8-75277775-G-T.
Other names: c.*1173G>T (NM_001040875.4, NM_001362929.2, NM_001362930.2 and 1 more transcripts); c.694+2487G>T (NM_001362931.2).
Identifiers: ClinVar variation 363739 (VCV000363739.6), dbSNP rs72665430, ClinGen allele CA4785306.

ClinVar aggregate classification (germline): Benign. Review status: criteria provided, multiple submitters, no conflicts (2 of 4 stars). 3 submissions from 2 submitters: Benign (3). Last evaluated 2018-01-12.

Conditions:
Charcot-Marie-Tooth disease, axonal, with vocal cord paresis, autosomal recessive. Also called: CHARCOT-MARIE-TOOTH DISEASE, TYPE 4A, AXONAL FORM; CHARCOT-MARIE-TOOTH NEUROPATHY, AXONAL, WITH VOCAL CORD PARESIS, AUTOSOMAL RECESSIVE; CMT2 WITH VOCAL CORD PARESIS, AUTOSOMAL RECESSIVE. Identifiers: Orphanet 101097, MedGen C1843183, MONDO:0011898, OMIM 607706.
Charcot-Marie-Tooth disease recessive intermediate A (CMTRIA). Also called: CHARCOT-MARIE-TOOTH NEUROPATHY, RECESSIVE INTERMEDIATE A. Identifiers: Orphanet 217055, MedGen C1842197, MONDO:0012014, OMIM 608340.

Allele frequency attached by ClinVar (database versions not stated): 1000 Genomes Project 0.02796; 1000 Genomes Project 30x 0.02904; ExAC 0.04347; TOPMed 0.04852; gnomAD exomes 0.05328 and 0.06386; gnomAD 0.05921 and 0.06104.

Submissions (3):

Illumina Laboratory Services, Illumina
Classification: Benign for Charcot-Marie-Tooth disease recessive intermediate A. Last evaluated: 2018-01-12. Review status: criteria provided, single submitter. Criteria: ICSL Variant Classification Criteria 13 December 2019. Collection method: clinical testing. Allele origin: germline.
Comment: This variant was observed in the ICSL laboratory as part of a predisposition screen in an ostensibly healthy population. It had not been previously curated by ICSL or reported in the Human Gene Mutation Database (HGMD: prior to June 1st, 2018), and was therefore a candidate for classification through an automated scoring system. Utilizing variant allele frequency, disease prevalence and penetrance estimates, and inheritance mode, an automated score was calculated to assess if this variant is too frequent to cause the disease. Based on the score and internal cut-off values, a variant classified as benign is not then subjected to further curation. The score for this variant resulted in a classification of benign for this disease.

Illumina Laboratory Services, Illumina
Classification: Benign for Charcot-Marie-Tooth disease, axonal, with vocal cord paresis, autosomal recessive. Last evaluated: 2018-01-12. Review status: criteria provided, single submitter. Criteria: ICSL Variant Classification Criteria 13 December 2019. Collection method: clinical testing. Allele origin: germline.
Comment: the same text as in the submission from Illumina Laboratory Services, Illumina above.

Breakthrough Genomics
Classification: Benign. Review status: criteria provided, single submitter. Criteria: ACMG Guidelines, 2015. Collection method: not provided. Allele origin: germline. Inheritance: Autosomal recessive inheritance. Affected: yes.